The following is an entry in ClinVar:

ClinVar aggregate classification (germline): Likely benign. Review status: criteria provided, multiple submitters, no conflicts (2 of 4 stars). 4 submissions from 4 submitters: Likely benign (3). 1 of the submissions does not count toward it. Last evaluated 2026-01-30.

Conditions:
Usher syndrome type 2A. Also called: RETINAL DISEASE IN USHER SYNDROME TYPE IIA, MODIFIER OF; USHER SYNDROME, TYPE IIA. Identifiers: Orphanet 231178, Orphanet 886, MedGen C1848634, MONDO:0010169, OMIM 276901.
USH2A-related disorder. Also called: USH2A-related condition; USH2A-related disorders. Identifiers: MedGen CN239332.

Allele frequency attached by ClinVar (database versions not stated): gnomAD below 0.00001 and 0.00005; TOPMed 0.00001; gnomAD exomes 0.00015 and 0.00031; ExAC 0.00037.
gnomAD v4.1: 227 of 1,614,052 alleles (0.014%); highest among the groups gnomAD compares: South Asian, 0.23%; 2 homozygotes.

Submissions (4):

Labcorp Genetics (formerly Invitae), Labcorp
Classification: Likely benign. Last evaluated: 2026-01-30. Review status: criteria provided, single submitter. Criteria: Invitae Variant Classification Sherloc (09022015). Collection method: clinical testing. Allele origin: germline.

PreventionGenetics, part of Exact Sciences
Classification: Likely benign for USH2A-related condition. Last evaluated: 2025-09-30. Review status: criteria provided, single submitter. Criteria: ACMG Guidelines, 2015. Collection method: clinical testing. Allele origin: germline.
Comment: This variant is classified as likely benign based on ACMG/AMP sequence variant interpretation guidelines (Richards et al. 2015 PMID: 25741868, with internal and published modifications).

Blueprint Genetics
Classification: Likely benign. Last evaluated: 2023-09-13. Review status: criteria provided, single submitter. Criteria: ACMG Guidelines, 2015. Collection method: clinical testing. Allele origin: germline.

Natera, Inc.
Classification: Likely benign for Usher syndrome type 2A. Last evaluated: 2020-01-19. Review status: no assertion criteria provided. Collection method: clinical testing. Allele origin: germline. Not counted in ClinVar's aggregate classification.

NM_206933.4(USH2A):c.2920G>A (p.Asp974Asn)

Genes: USH2A (usherin; minus strand), USH2A-AS1 (USH2A antisense RNA 1; plus strand). Cytogenetic location: 1q41.
Variant type: single nucleotide variant.
Coding change: c.2920G>A on transcript NM_206933.4 (MANE Select); coding-DNA position 2920, G replaced by A.
Protein change: p.Asp974Asn; replaces aspartic acid 974 with asparagine.
Molecular consequence: missense variant.
Genome position (GRCh38, 1-based): chr1:216,232,026, C>T on the plus strand (G>A on the coding strand, the complement: USH2A is on the minus strand). VCF-style: chr1-216232026-C-T. GRCh37 (hg19) VCF-style: chr1-216405368-C-T.
Other names: c.2920G>A, p.Asp974Asn (NM_007123.6); short protein forms D974N.
Identifiers: ClinVar variation 741960 (VCV000741960.12), dbSNP rs540564733, ClinGen allele CA1396126.